The following is an entry in ClinVar:

NM_000051.4(ATM):c.8010+19T>C

Genes: ATM (ATM serine/threonine kinase; plus strand), C11orf65 (chromosome 11 open reading frame 65; minus strand). Cytogenetic location: 11q22.3.
Variant type: single nucleotide variant.
Coding change: c.8010+19T>C on transcript NM_000051.4 (MANE Select); 19 bases into the intron after coding-DNA position 8010, T replaced by C.
Molecular consequence: intron variant.
Genome position (GRCh38, 1-based): chr11:108,333,987, T>C. VCF-style: chr11-108333987-T-C. GRCh37 (hg19) VCF-style: chr11-108204714-T-C.
Other names: c.8010+19T>C (NM_001351834.2); c.641-24916A>G (NM_001330368.2); c.*38+1233A>G (NM_001351110.2).
Identifiers: ClinVar variation 490721 (VCV000490721.9), dbSNP rs1555126346, ClinGen allele CA658683773.
Genomic context (GRCh38, chr11:108,333,987, plus strand): 5'-AAGAATTTAGAAGATGTTGTTGTCCCTACTATGGAAATTAAGGTAATTTGCAATTAACTC[T>C]TGATTTTTTTTAAACTAAATTTTTTTTATTAGATTGAACCATTTGAAATAGTATTTTTAT-3'

ClinVar aggregate classification (germline): Likely benign. Review status: criteria provided, multiple submitters, no conflicts (2 of 4 stars). 3 submissions from 3 submitters: Likely benign (3). Last evaluated 2025-08-06.

Conditions:
Hereditary cancer-predisposing syndrome. Also called: Hereditary Cancer Syndrome; Neoplastic Syndromes, Hereditary; Tumor predisposition; Hereditary neoplastic syndrome. Identifiers: Orphanet 140162, MedGen C0027672, MeSH D009386, MONDO:0015356.
Ataxia-telangiectasia syndrome (AT). Also called: Cerebello-oculocutaneous telangiectasia; Immunodeficiency with ataxia telangiectasia; Ataxia-telangiectasia, complementation group E; Ataxia-telangiectasia, complementation group D; AT, COMPLEMENTATION GROUP C; ATAXIA-TELANGIECTASIA, COMPLEMENTATION GROUP A. Identifiers: Orphanet 100, MedGen C0004135, MONDO:0008840, OMIM 208900.

Allele frequency attached by ClinVar (database versions not stated): gnomAD exomes 0.00001.
gnomAD v4.1: 8 of 1,569,928 alleles (0.00051%); highest among the groups gnomAD compares: Non-Finnish European, 0.0007%; no homozygotes.

Submissions (3):

Labcorp Genetics (formerly Invitae), Labcorp
Classification: Likely benign for Ataxia-telangiectasia syndrome. Last evaluated: 2025-08-06. Review status: criteria provided, single submitter. Criteria: Invitae Variant Classification Sherloc (09022015). Collection method: clinical testing. Allele origin: germline.

GeneDx
Classification: Likely benign. Last evaluated: 2017-10-17. Review status: criteria provided, single submitter. Criteria: GeneDx Variant Classification (06012015). Collection method: clinical testing. Allele origin: germline. Affected: yes.
Comment: This variant is considered likely benign or benign based on one or more of the following criteria: it is a conservative change, it occurs at a poorly conserved position in the protein, it is predicted to be benign by multiple in silico algorithms, and/or has population frequency not consistent with disease.

Color Diagnostics, LLC DBA Color Health
Classification: Likely benign for Hereditary cancer-predisposing syndrome. Last evaluated: 2017-05-29. Review status: criteria provided, single submitter. Criteria: ACMG Guidelines, 2015. Collection method: clinical testing. Allele origin: germline.